The following is an entry in ClinVar:

NM_003072.5(SMARCA4):c.274del (p.Gln92fs)

Gene: SMARCA4 (SWI/SNF related BAF chromatin remodeling complex subunit ATPase 4; plus strand). Cytogenetic location: 19p13.2.
Variant type: Deletion.
Coding change: c.274del on transcript NM_003072.5 (MANE Select); coding-DNA position 274, one base deleted (C; older notation c.274delC).
Protein change: p.Gln92fs; shifts the reading frame from glutamine 92.
Molecular consequence: frameshift variant. On other transcripts: non-coding transcript variant (1).
Genome position (GRCh38, 1-based): chr19:10,985,324, C deleted; the last of 2 consecutive C bases (chr19:10,985,323-10,985,324); deleting either gives the same sequence. VCF-style (leftmost placement, unchanged base first): chr19-10985322-AC-A. GRCh37 (hg19) VCF-style: chr19-11095998-AC-A.
Other names: c.274del, p.Gln92fs (NM_001128844.3, NM_001128845.2, NM_001128846.2 and 6 more transcripts); short protein forms Q92fs.
Identifiers: ClinVar variation 2842042 (VCV002842042.3), dbSNP rs2513969861, ClinGen allele CA2739276523.

ClinVar aggregate classification (germline): Pathogenic (1 of 4 stars; one submission).

Conditions:
Rhabdoid tumor predisposition syndrome 2 (RTPS2). Identifiers: Orphanet 231108, Orphanet 69077, MedGen C2750074, MONDO:0013224, OMIM 613325.

Submission:

Labcorp Genetics (formerly Invitae), Labcorp
Classification: Pathogenic for Rhabdoid tumor predisposition syndrome 2. Last evaluated: 2023-03-02. Review status: criteria provided, single submitter. Criteria: Invitae Variant Classification Sherloc (09022015). Collection method: clinical testing. Allele origin: germline.
Comment: For these reasons, this variant has been classified as Pathogenic. This variant has not been reported in the literature in individuals affected with SMARCA4-related conditions. This variant is not present in population databases (gnomAD no frequency). This sequence change creates a premature translational stop signal (p.Gln92Argfs*2) in the SMARCA4 gene. It is expected to result in an absent or disrupted protein product. Loss-of-function variants in SMARCA4 are known to be pathogenic (PMID: 24658001, 24658002).

Literature cited by the submitters: PubMed 24658001; PubMed 24658002.